The following is an entry in ClinVar:

ClinVar aggregate classification (germline): Uncertain significance (1 of 4 stars; one submission).

Submission:

GeneDx
Classification: Uncertain significance. Last evaluated: 2025-09-26. Review status: criteria provided, single submitter. Criteria: GeneDx Variant Classification Process June 2021. Collection method: clinical testing. Allele origin: germline. Affected: yes.
Comment: Not observed at significant frequency in large population cohorts (gnomAD); In silico analysis supports that this missense variant has a deleterious effect on protein structure/function; Has not been previously published as pathogenic or benign to our knowledge

NM_000270.4(PNP):c.205G>T (p.Val69Leu)

Gene: PNP (purine nucleoside phosphorylase; plus strand). Cytogenetic location: 14q11.2.
Variant type: single nucleotide variant.
Coding change: c.205G>T on transcript NM_000270.4 (MANE Select); coding-DNA position 205, G replaced by T.
Protein change: p.Val69Leu; replaces valine 69 with leucine.
Molecular consequence: missense variant.
Genome position (GRCh38, 1-based): chr14:20,474,495, G>T. VCF-style: chr14-20474495-G-T. GRCh37 (hg19) VCF-style: chr14-20942654-G-T.
Other names: short protein forms V69L.
Identifiers: ClinVar variation 3378222 (VCV003378222.2).